The following is an entry in ClinVar:

NM_001319074.4(RAX2):c.70AAG[2] (p.Lys26del)

Gene: RAX2 (retina and anterior neural fold homeobox 2; minus strand). Cytogenetic location: 19p13.3.
Variant type: Microsatellite.
Coding change: c.70AAG[2] on transcript NM_001319074.4 (MANE Select); two copies in a row of the 3-base unit AAG starting at c.70; the reference has three copies in a row; one copy, 3 bases deleted.
Protein change: p.Lys26del; deletes lysine 26.
Molecular consequence: inframe deletion.
Genome position (GRCh38, 1-based): chr19:3,771,665-3,771,667, CTT deleted on the plus strand (AAG on the coding strand, the reverse complement: RAX2 is on the minus strand); deleting any 3 consecutive bases within chr19:3,771,665-3,771,673 gives the same sequence; the position shown is the placement nearest the transcript's 3' end. VCF-style (leftmost placement, unchanged base first): chr19-3771664-GCTT-G. GRCh37 (hg19) VCF-style: chr19-3771662-GCTT-G.
Other names: c.70AAG[2], p.Lys26del (NM_032753.4); short protein forms K26del.
Identifiers: ClinVar variation 1922662 (VCV001922662.5), dbSNP rs756505075, ClinGen allele CA9085125.

ClinVar aggregate classification (germline): Uncertain significance (1 of 4 stars; one submission).

Submission:

Labcorp Genetics (formerly Invitae), Labcorp
Classification: Uncertain significance. Last evaluated: 2022-06-04. Review status: criteria provided, single submitter. Criteria: Invitae Variant Classification Sherloc (09022015). Collection method: clinical testing. Allele origin: germline.
Comment: This variant is present in population databases (rs756505075, gnomAD 0.002%). This variant, c.76_78del, results in the deletion of 1 amino acid(s) of the RAX2 protein (p.Lys26del), but otherwise preserves the integrity of the reading frame. This variant has not been reported in the literature in individuals affected with RAX2-related conditions. In summary, the available evidence is currently insufficient to determine the role of this variant in disease. Therefore, it has been classified as a Variant of Uncertain Significance. Experimental studies and prediction algorithms are not available or were not evaluated, and the functional significance of this variant is currently unknown.